The following is an entry in ClinVar:

NM_000215.4(JAK3):c.154G>A (p.Asp52Asn)

Gene: JAK3 (Janus kinase 3; minus strand). Cytogenetic location: 19p13.11.
Variant type: single nucleotide variant.
Coding change: c.154G>A on transcript NM_000215.4 (MANE Select); coding-DNA position 154, G replaced by A.
Protein change: p.Asp52Asn; replaces aspartic acid 52 with asparagine.
Molecular consequence: missense variant.
Genome position (GRCh38, 1-based): chr19:17,844,264, C>T on the plus strand (G>A on the coding strand, the complement: JAK3 is on the minus strand). VCF-style: chr19-17844264-C-T. GRCh37 (hg19) VCF-style: chr19-17955073-C-T.
Other names: short protein forms D52N.
Identifiers: ClinVar variation 1060010 (VCV001060010.7), dbSNP rs2147700846, ClinGen allele CA404775063.

ClinVar aggregate classification (germline): Uncertain significance (1 of 4 stars; one submission).

Conditions:
T-B+ severe combined immunodeficiency due to JAK3 deficiency. Also called: SCID, T CELL-NEGATIVE, B CELL-POSITIVE, NK CELL-NEGATIVE; SCID, autosomal recessive, T-negative/B-positive type. Identifiers: Orphanet 35078, MedGen C1833275, MONDO:0010938, OMIM 600802.

Submission:

Labcorp Genetics (formerly Invitae), Labcorp
Classification: Uncertain significance for T-B+ severe combined immunodeficiency due to JAK3 deficiency. Last evaluated: 2022-09-07. Review status: criteria provided, single submitter. Criteria: Invitae Variant Classification Sherloc (09022015). Collection method: clinical testing. Allele origin: germline.
Comment: In summary, the available evidence is currently insufficient to determine the role of this variant in disease. Therefore, it has been classified as a Variant of Uncertain Significance. Advanced modeling of protein sequence and biophysical properties (such as structural, functional, and spatial information, amino acid conservation, physicochemical variation, residue mobility, and thermodynamic stability) performed at Invitae indicates that this missense variant is not expected to disrupt JAK3 protein function. ClinVar contains an entry for this variant (Variation ID: 1060010). This variant has not been reported in the literature in individuals affected with JAK3-related conditions. This variant is not present in population databases (gnomAD no frequency). This sequence change replaces aspartic acid, which is acidic and polar, with asparagine, which is neutral and polar, at codon 52 of the JAK3 protein (p.Asp52Asn).